The following is an entry in ClinVar:

ClinVar aggregate classification (germline): Benign/Likely benign. Review status: criteria provided, multiple submitters, no conflicts (2 of 4 stars). 3 submissions from 3 submitters: Benign (1); Likely benign (1). 1 of the submissions does not count toward it. Last evaluated 2026-07-01.

Conditions:
PLXNA1-related disorder. Also called: PLXNA1-related condition.

Allele frequency attached by ClinVar (database versions not stated): gnomAD exomes 0.00030 and 0.00081; ExAC 0.00098; gnomAD 0.00293 and 0.00314; 1000 Genomes Project 0.00319; ESP Exome Variant Server 0.00338; TOPMed 0.00352; 1000 Genomes Project 30x 0.00406.
gnomAD v4.1: 895 of 1,613,202 alleles (0.055%); highest among the groups gnomAD compares: African/African-American, 1.1%; 6 homozygotes.

Submissions (3):

CeGaT Center for Human Genetics Tuebingen
Classification: Likely benign. Last evaluated: 2026-07-01. Review status: criteria provided, single submitter. Criteria: CeGaT Center For Human Genetics Tuebingen Variant Classification Criteria Version 2. Collection method: clinical testing. Allele origin: germline. Affected: yes. Observed: 2 variant alleles.
Comment: PLXNA1: BP4, BP7, BS1

Labcorp Genetics (formerly Invitae), Labcorp
Classification: Benign. Last evaluated: 2025-12-30. Review status: criteria provided, single submitter. Criteria: Invitae Variant Classification Sherloc (09022015). Collection method: clinical testing. Allele origin: germline.

PreventionGenetics, part of Exact Sciences
Classification: Benign for PLXNA1-related condition. Last evaluated: 2019-10-28. Review status: no assertion criteria provided. Collection method: clinical testing. Allele origin: germline. Not counted in ClinVar's aggregate classification.
Comment: This variant is classified as benign based on ACMG/AMP sequence variant interpretation guidelines (Richards et al. 2015 PMID: 25741868, with internal and published modifications).

NM_032242.4(PLXNA1):c.369C>T (p.Ala123=)

Gene: PLXNA1 (plexin A1; plus strand). Cytogenetic location: 3q21.3.
Variant type: single nucleotide variant.
Coding change: c.369C>T on transcript NM_032242.4 (MANE Select); coding-DNA position 369, C replaced by T.
Protein change: p.Ala123=; no amino-acid change (alanine 123 retained).
Molecular consequence: synonymous variant.
Genome position (GRCh38, 1-based): chr3:126,988,962, C>T. VCF-style: chr3-126988962-C-T. GRCh37 (hg19) VCF-style: chr3-126707805-C-T.
Other names: c.369C>T (NM_032242.3).
Identifiers: ClinVar variation 1601311 (VCV001601311.12), dbSNP rs141064930, ClinGen allele CA2592972.